The following is an entry in ClinVar:

ClinVar aggregate classification (germline): Likely benign. Review status: criteria provided, single submitter (1 of 4 stars). 2 submissions from 2 submitters: Likely benign (1). 1 of the submissions does not count toward it. Last evaluated 2022-12-01.

Conditions:
NKX2-1-Related Disorders. Also called: NKX2-1-related disorder. Identifiers: MedGen CN381057.

Allele frequency attached by ClinVar (database versions not stated): TOPMed 0.00001; 1000 Genomes Project 30x 0.00016.

Submissions (2):

Labcorp Genetics (formerly Invitae), Labcorp
Classification: Likely benign. Last evaluated: 2022-12-01. Review status: criteria provided, single submitter. Criteria: Invitae Variant Classification Sherloc (09022015). Collection method: clinical testing. Allele origin: germline.

PreventionGenetics, part of Exact Sciences
Classification: Likely benign for NKX2-1-related condition. Last evaluated: 2024-09-16. Review status: no assertion criteria provided. Collection method: clinical testing. Allele origin: germline. Not counted in ClinVar's aggregate classification.
Comment: This variant is classified as likely benign based on ACMG/AMP sequence variant interpretation guidelines (Richards et al. 2015 PMID: 25741868, with internal and published modifications).

NM_001079668.3(NKX2-1):c.174C>T (p.Gly58=)

Genes: NKX2-1 (NK2 homeobox 1; minus strand), SFTA3 (surfactant associated 3; minus strand). Cytogenetic location: 14q13.3.
Variant type: single nucleotide variant.
Coding change: c.174C>T on transcript NM_001079668.3 (MANE Select); coding-DNA position 174, C replaced by T.
Protein change: p.Gly58=; no amino-acid change (glycine 58 retained).
Molecular consequence: synonymous variant.
Genome position (GRCh38, 1-based): chr14:36,519,274, G>A on the plus strand (C>T on the coding strand, the complement: NKX2-1 is on the minus strand). VCF-style: chr14-36519274-G-A. GRCh37 (hg19) VCF-style: chr14-36988479-G-A.
Other names: c.174C>T (NM_001079668.2); c.84C>T, p.Gly28= (NM_003317.4).
Identifiers: ClinVar variation 2886946 (VCV002886946.4), dbSNP rs200350608, ClinGen allele CA7158572.